The following is an entry in ClinVar:

ClinVar aggregate classification (germline): Uncertain significance (1 of 4 stars; one submission).

Allele frequency attached by ClinVar (database versions not stated): gnomAD exomes below 0.00001.

Submission:

Labcorp Genetics (formerly Invitae), Labcorp
Classification: Uncertain significance. Last evaluated: 2023-07-10. Review status: criteria provided, single submitter. Criteria: Invitae Variant Classification Sherloc (09022015). Collection method: clinical testing. Allele origin: germline.
Comment: This sequence change replaces arginine, which is basic and polar, with glutamine, which is neutral and polar, at codon 202 of the ADIPOR1 protein (p.Arg202Gln). This variant is not present in population databases (gnomAD no frequency). This variant has not been reported in the literature in individuals affected with ADIPOR1-related conditions. An algorithm developed to predict the effect of missense changes on protein structure and function (PolyPhen-2) suggests that this variant is likely to be tolerated. Algorithms developed to predict the effect of sequence changes on RNA splicing suggest that this variant may disrupt the consensus splice site. In summary, the available evidence is currently insufficient to determine the role of this variant in disease. Therefore, it has been classified as a Variant of Uncertain Significance.

NM_015999.6(ADIPOR1):c.605G>A (p.Arg202Gln)

Gene: ADIPOR1 (adiponectin receptor 1; minus strand). Cytogenetic location: 1q32.1.
Variant type: single nucleotide variant.
Coding change: c.605G>A on transcript NM_015999.6 (MANE Select); coding-DNA position 605, G replaced by A.
Protein change: p.Arg202Gln; replaces arginine 202 with glutamine.
Molecular consequence: missense variant.
Genome position (GRCh38, 1-based): chr1:202,944,995, C>T on the plus strand (G>A on the coding strand, the complement: ADIPOR1 is on the minus strand). VCF-style: chr1-202944995-C-T. GRCh37 (hg19) VCF-style: chr1-202914123-C-T.
Other names: c.605G>A, p.Arg202Gln (NM_001127687.1, NM_001290553.2, NM_001290557.1 and 1 more transcripts); short protein forms R202Q.
Identifiers: ClinVar variation 2865849 (VCV002865849.3), dbSNP rs2527462351, ClinGen allele CA344280750.
Genomic context (GRCh38, chr1:202,944,995, plus strand): 5'-ATGTGACAACAGTGCACAGTATTTTCCTATGGTGTTCTTTTAACTCACTTGGAAAAAGTC[C>T]GAGAGACTTTCTCTGAATGACAATAGACGGTGTGAAAGAGCCAGGAGAAGCTGAGGCAGA-3'
Protein context (NP_057083.2, residues 192-212): TVYCHSEKVS[Arg202Gln]TFSKLDYSGI